The following is an entry in ClinVar:

NM_032043.3(BRIP1):c.2627G>A (p.Ser876Asn)

Gene: BRIP1 (BRCA1 interacting DNA helicase 1; minus strand). Cytogenetic location: 17q23.2.
Variant type: single nucleotide variant.
Coding change: c.2627G>A on transcript NM_032043.3 (MANE Select); coding-DNA position 2627, G replaced by A.
Protein change: p.Ser876Asn; replaces serine 876 with asparagine.
Molecular consequence: missense variant.
Genome position (GRCh38, 1-based): chr17:61,686,114, C>T on the plus strand (G>A on the coding strand, the complement: BRIP1 is on the minus strand). VCF-style: chr17-61686114-C-T. GRCh37 (hg19) VCF-style: chr17-59763475-C-T.
Other names: short protein forms S876N.
Identifiers: ClinVar variation 483140 (VCV000483140.14), dbSNP rs750961319, ClinGen allele CA8690468.

ClinVar aggregate classification (germline): Conflicting classifications of pathogenicity. Review status: criteria provided, conflicting classifications (1 of 4 stars). 3 submissions from 3 submitters: Uncertain significance (2); Likely benign (1). Last evaluated 2025-02-11.

Conditions:
Hereditary cancer-predisposing syndrome. Also called: Hereditary neoplastic syndrome; Neoplastic Syndromes, Hereditary; Tumor predisposition; Hereditary Cancer Syndrome. Identifiers: Orphanet 140162, MedGen C0027672, MeSH D009386, MONDO:0015356.
Fanconi anemia complementation group J. Also called: BRIP1-Related Fanconi Anemia. Identifiers: Orphanet 84, MedGen C1836860, MONDO:0012187, OMIM 609054.
Familial cancer of breast. Also called: BREAST CANCER, FAMILIAL; Hereditary breast cancer; hereditary breast carcinoma. Identifiers: Orphanet 227535, MedGen C0346153, MONDO:0016419, OMIM 114480. Disease mechanism: loss of function.

Allele frequency attached by ClinVar (database versions not stated): gnomAD exomes below 0.00001; ExAC 0.00001.
gnomAD v4.1: 2 of 1,614,040 alleles (0.00012%); highest among the groups gnomAD compares: Non-Finnish European, 0.00017%; no homozygotes.

Submissions (3):

Labcorp Genetics (formerly Invitae), Labcorp
Classification: Uncertain significance for Familial cancer of breast; Fanconi anemia complementation group J. Last evaluated: 2025-02-11. Review status: criteria provided, single submitter. Criteria: Invitae Variant Classification Sherloc (09022015). Collection method: clinical testing. Allele origin: germline.
Comment: This sequence change replaces serine, which is neutral and polar, with asparagine, which is neutral and polar, at codon 876 of the BRIP1 protein (p.Ser876Asn). This variant is present in population databases (rs750961319, gnomAD 0.0009%). This variant has not been reported in the literature in individuals affected with BRIP1-related conditions. ClinVar contains an entry for this variant (Variation ID: 483140). Invitae Evidence Modeling of protein sequence and biophysical properties (such as structural, functional, and spatial information, amino acid conservation, physicochemical variation, residue mobility, and thermodynamic stability) indicates that this missense variant is not expected to disrupt BRIP1 protein function with a negative predictive value of 95%. In summary, the available evidence is currently insufficient to determine the role of this variant in disease. Therefore, it has been classified as a Variant of Uncertain Significance.

Color Diagnostics, LLC DBA Color Health
Classification: Uncertain significance for Hereditary cancer-predisposing syndrome. Last evaluated: 2018-12-12. Review status: criteria provided, single submitter. Criteria: ACMG Guidelines, 2015. Collection method: clinical testing. Allele origin: germline.

Ambry Genetics
Classification: Likely benign for Hereditary cancer-predisposing syndrome. Last evaluated: 2018-03-19. Review status: criteria provided, single submitter. Criteria: Ambry Variant Classification Scheme 2023. Collection method: clinical testing. Allele origin: germline.